The following is an entry in ClinVar:

ClinVar aggregate classification (germline): Conflicting classifications of pathogenicity. Review status: criteria provided, conflicting classifications (1 of 4 stars). 3 submissions from 3 submitters: Uncertain significance (2); Likely benign (1). Last evaluated 2025-02-24.

Conditions:
Early-infantile DEE. Also called: Early infantile epileptic encephalopathy with suppression bursts; Ohtahara syndrome; Early infantile epileptic encephalopathy. Identifiers: Orphanet 1934, MedGen C0393706, MONDO:0800491.

Allele frequency attached by ClinVar (database versions not stated): gnomAD exomes 0.00002; gnomAD 0.00003 and 0.00002; 1000 Genomes Project 0.00020; ExAC 0.00002; TOPMed 0.00006; 1000 Genomes Project 30x 0.00031.
gnomAD v4.1: 53 of 1,614,178 alleles (0.0033%); highest among the groups gnomAD compares: Admixed American, 0.0067%; no homozygotes.

Submissions (3):

Labcorp Genetics (formerly Invitae), Labcorp
Classification: Likely benign for Early-infantile DEE. Last evaluated: 2025-02-24. Review status: criteria provided, single submitter. Criteria: Invitae Variant Classification Sherloc (09022015). Collection method: clinical testing. Allele origin: germline.

CeGaT Center for Human Genetics Tuebingen
Classification: Uncertain significance. Last evaluated: 2024-10-01. Review status: criteria provided, single submitter. Criteria: CeGaT Center For Human Genetics Tuebingen Variant Classification Criteria Version 2. Collection method: clinical testing. Allele origin: germline. Affected: yes. Observed: 1 variant allele.
Comment: SCN1A: PP2, PP3

Eurofins Ntd Llc (ga)
Classification: Uncertain significance. Last evaluated: 2015-05-04. Review status: criteria provided, single submitter. Criteria: EGL Classification Definitions 2015. Collection method: clinical testing. Allele origin: germline. Observed: 2 variant alleles, 2 heterozygotes.

NM_001165963.4(SCN1A):c.2716G>A (p.Val906Met)

Gene: SCN1A (sodium voltage-gated channel alpha subunit 1; minus strand). Cytogenetic location: 2q24.3.
Variant type: single nucleotide variant.
Coding change: c.2716G>A on transcript NM_001165963.4 (MANE Select); coding-DNA position 2716, G replaced by A.
Protein change: p.Val906Met; replaces valine 906 with methionine.
Molecular consequence: missense variant. On other transcripts: non-coding transcript variant (1).
Genome position (GRCh38, 1-based): chr2:166,038,006, C>T on the plus strand (G>A on the coding strand, the complement: SCN1A is on the minus strand). VCF-style: chr2-166038006-C-T. GRCh37 (hg19) VCF-style: chr2-166894516-C-T.
Other names: c.2632G>A, p.Val878Met (NM_001165964.3, NM_001353957.2, NM_001353958.2); c.2716G>A, p.Val906Met (NM_001202435.3, NM_001353948.2); c.2683G>A, p.Val895Met (NM_001353949.2, NM_001353950.2, NM_001353951.2 and 2 more transcripts); c.2680G>A, p.Val894Met (NM_001353954.2, NM_001353955.2); c.2629G>A, p.Val877Met (NM_001353960.2); c.274G>A, p.Val92Met (NM_001353961.2); short protein forms V895M, V906M, V877M, V878M, V92M, V894M.
Identifiers: ClinVar variation 93640 (VCV000093640.27), dbSNP rs185760342, ClinGen allele CA221572.